The following is an entry in ClinVar:

ClinVar aggregate classification (germline): Likely pathogenic (1 of 4 stars; one submission).

Conditions:
Bleeding disorder, platelet-type, 24. Also called: GLANZMANN THROMBASTHENIA-LIKE WITH MACROTHROMBOCYTOPENIA 2. Identifiers: MedGen C5543280, MONDO:0030996, OMIM 619271.

Allele frequency attached by ClinVar (database versions not stated): gnomAD exomes below 0.00001 and 0.00001; ExAC 0.00001.
gnomAD v4.1: 6 of 1,614,088 alleles (0.00037%); highest among the groups gnomAD compares: East Asian, 0.0045%; no homozygotes.

Submission:

HudsonAlpha Institute for Biotechnology
Classification: Likely pathogenic for Bleeding disorder, platelet-type, 24. Last evaluated: 2021-06-08. Review status: criteria provided, single submitter. Criteria: ACMG Guidelines, 2015. Collection method: research. Allele origin: de novo. Affected: yes. Observed: 1 variant allele. Study: CSER-SouthSeq.
Comment: ACMG codes: PS2; PM2; PP2; PP3

NM_000212.3(ITGB3):c.1132C>T (p.Arg378Cys)

Gene: ITGB3 (integrin subunit beta 3; plus strand). Cytogenetic location: 17q21.32.
Variant type: single nucleotide variant.
Coding change: c.1132C>T on transcript NM_000212.3 (MANE Select); coding-DNA position 1132, C replaced by T.
Protein change: p.Arg378Cys; replaces arginine 378 with cysteine.
Molecular consequence: missense variant.
Genome position (GRCh38, 1-based): chr17:47,290,960, C>T. VCF-style: chr17-47290960-C-T. GRCh37 (hg19) VCF-style: chr17-45368326-C-T.
Other names: short protein forms R378C.
Identifiers: ClinVar variation 1199410 (VCV001199410.1), dbSNP rs774332906, ClinGen allele CA8623173.
Genomic context (GRCh38, chr17:47,290,960, plus strand): 5'-TTCCCGTTTCCTTTCAGTTCAATTTCTTGTCTTCTTGTGCCCCTTTCTGCTCAGAAAATC[C>T]GTTCTAAAGTAGAGCTGGAAGTGCGTGACCTCCCTGAAGAGTTGTCTCTATCCTTCAATG-3'
Protein context (NP_000203.2, residues 368-388): QLIVDAYGKI[Arg378Cys]SKVELEVRDL